The following is an entry in ClinVar:

ClinVar aggregate classification (germline): Benign/Likely benign. Review status: criteria provided, multiple submitters, no conflicts (2 of 4 stars). 8 submissions from 8 submitters: Benign (1); Likely benign (6). 1 of the submissions does not count toward it. Last evaluated 2026-02-02.

Conditions:
Inborn genetic diseases. Identifiers: MedGen C0950123, MeSH D030342.
CACNA1D-related disorder.

Allele frequency attached by ClinVar (database versions not stated): gnomAD exomes 0.00014 and 0.00038; ExAC 0.00046; gnomAD 0.00131 and 0.00143; 1000 Genomes Project 0.00160; ESP Exome Variant Server 0.00169; TOPMed 0.00171; 1000 Genomes Project 30x 0.00172.
gnomAD v4.1: 400 of 1,594,098 alleles (0.025%); highest among the groups gnomAD compares: African/African-American, 0.49%; 1 homozygote.

Submissions (8):

Labcorp Genetics (formerly Invitae), Labcorp
Classification: Likely benign. Last evaluated: 2026-02-02. Review status: criteria provided, single submitter. Criteria: Invitae Variant Classification Sherloc (09022015). Collection method: clinical testing. Allele origin: germline.

Mayo Clinic Laboratories, Mayo Clinic
Classification: Likely benign. Last evaluated: 2025-10-01. Review status: criteria provided, single submitter. Criteria: ACMG Guidelines, 2015. Collection method: clinical testing. Allele origin: germline. Observed: 1 variant allele.
Comment: BS1, BP4

Blueprint Genetics
Classification: Likely benign. Last evaluated: 2024-11-26. Review status: criteria provided, single submitter. Criteria: ACMG Guidelines, 2015. Collection method: clinical testing. Allele origin: germline.

Ambry Genetics
Classification: Likely benign for Inborn genetic diseases. Last evaluated: 2023-03-24. Review status: criteria provided, single submitter. Criteria: Ambry Variant Classification Scheme 2023. Collection method: clinical testing. Allele origin: germline.

GeneDx
Classification: Likely benign. Last evaluated: 2020-09-28. Review status: criteria provided, single submitter. Criteria: GeneDx Variant Classification Process June 2021. Collection method: clinical testing. Allele origin: germline. Affected: yes.

Genetic Services Laboratory, University of Chicago
Classification: Likely benign. Last evaluated: 2019-07-31. Review status: criteria provided, single submitter. Criteria: ACMG Guidelines, 2015. Collection method: clinical testing. Allele origin: germline. Affected: no.

Laboratory for Molecular Medicine, Mass General Brigham Personalized Medicine
Classification: Benign. Last evaluated: 2014-11-24. Review status: criteria provided, single submitter. Criteria: LMM Criteria. Collection method: clinical testing. Allele origin: germline. Observed: 2 variant alleles.
Comment: Arg2166Lys in exon 49 of CACNA1D: This variant is not expected to have clinical significance because it has been identified in 0.5% (22/4406) of African America n chromosomes from a broad population by the NHLBI Exome Sequencing Project (dbSNP rs150838215).

PreventionGenetics, part of Exact Sciences
Classification: Likely benign for CACNA1D-related condition. Last evaluated: 2021-04-08. Review status: no assertion criteria provided. Collection method: clinical testing. Allele origin: germline. Not counted in ClinVar's aggregate classification.
Comment: This variant is classified as likely benign based on ACMG/AMP sequence variant interpretation guidelines (Richards et al. 2015 PMID: 25741868, with internal and published modifications).

NM_001128840.3(CACNA1D):c.6437G>A (p.Arg2146Lys)

Gene: CACNA1D (calcium voltage-gated channel subunit alpha1 D; plus strand). Cytogenetic location: 3p21.1.
Variant type: single nucleotide variant.
Coding change: c.6437G>A on transcript NM_001128840.3 (MANE Select); coding-DNA position 6437, G replaced by A.
Protein change: p.Arg2146Lys; replaces arginine 2146 with lysine.
Molecular consequence: missense variant.
Genome position (GRCh38, 1-based): chr3:53,811,357, G>A. VCF-style: chr3-53811357-G-A. GRCh37 (hg19) VCF-style: chr3-53845384-G-A.
Other names: c.6497G>A, p.Arg2166Lys (NM_000720.4); c.6365G>A, p.Arg2122Lys (NM_001128839.3); short protein forms R2166K, R2146K, R2122K.
Identifiers: ClinVar variation 226479 (VCV000226479.24), dbSNP rs150838215, ClinGen allele CA2455449.